The following is an entry in ClinVar:

NM_000553.6(WRN):c.340G>C (p.Val114Leu)

Gene: WRN (WRN RecQ like helicase; plus strand). Cytogenetic location: 8p12.
Variant type: single nucleotide variant.
Coding change: c.340G>C on transcript NM_000553.6 (MANE Select); coding-DNA position 340, G replaced by C.
Protein change: p.Val114Leu; replaces valine 114 with leucine.
Molecular consequence: missense variant.
Genome position (GRCh38, 1-based): chr8:31,064,419, G>C. VCF-style: chr8-31064419-G-C. GRCh37 (hg19) VCF-style: chr8-30921935-G-C.
Other names: short protein forms V114L.
Identifiers: ClinVar variation 1501583 (VCV001501583.6), dbSNP rs2230009, ClinGen allele CA370914444.

ClinVar aggregate classification (germline): Uncertain significance (1 of 4 stars; one submission).

Conditions:
Werner syndrome (WRN). Identifiers: Orphanet 902, MedGen C0043119, MONDO:0010196, OMIM 277700.

gnomAD v4.1: 3 of 1,613,890 alleles (0.00019%); highest among the groups gnomAD compares: South Asian, 0.0033%; no homozygotes.

Submission:

Labcorp Genetics (formerly Invitae), Labcorp
Classification: Uncertain significance for Werner syndrome. Last evaluated: 2024-05-29. Review status: criteria provided, single submitter. Criteria: Invitae Variant Classification Sherloc (09022015). Collection method: clinical testing. Allele origin: germline.
Comment: This sequence change replaces valine, which is neutral and non-polar, with leucine, which is neutral and non-polar, at codon 114 of the WRN protein (p.Val114Leu). This variant is not present in population databases (gnomAD no frequency). This variant has not been reported in the literature in individuals affected with WRN-related conditions. ClinVar contains an entry for this variant (Variation ID: 1501583). An algorithm developed to predict the effect of missense changes on protein structure and function (PolyPhen-2) suggests that this variant is likely to be tolerated. In summary, the available evidence is currently insufficient to determine the role of this variant in disease. Therefore, it has been classified as a Variant of Uncertain Significance.